The following is an entry in ClinVar:

NC_012920.1(MT-ND4):m.11583T>C

Gene: MT-ND4 (mitochondrially encoded NADH dehydrogenase 4; plus strand).
Variant type: single nucleotide variant.
Genome position: chrM-11583-T-C.
Identifiers: ClinVar variation 693371 (VCV000693371.1), dbSNP rs1603223350, ClinGen allele CA414810510.

ClinVar aggregate classification (germline): Uncertain significance (1 of 4 stars; one submission).

Conditions:
Leigh syndrome (NULS). Also called: Leigh's necrotizing encephalopathy; Leigh's disease; Leigh Syndrome (mtDNA deletion); Leigh Disease; Subacute necrotizing encephalopathy; Necrotizing encephalopathy infantile subacute of Leigh. Identifiers: Orphanet 506, MedGen C2931891, MONDO:0009723, OMIM 256000.

Submission:

Wong Mito Lab, Molecular and Human Genetics, Baylor College of Medicine
Classification: Uncertain significance for Leigh syndrome. Last evaluated: 2019-10-17. Review status: criteria provided, single submitter. Criteria: Modified ACMG Guidelines (Unpublished). Collection method: clinical testing. Allele origin: germline.
Comment: The NC_012920.1:m.11583T>C (YP_003024035.1:p.Ile275Thr) variant in MTND4 gene is interpretated to be a Uncertain Significance variant based on the modified ACMG guidelines (unpublished). This variant meets the following evidence codes: PP7, BP4